The following is an entry in ClinVar:

NM_022168.4(IFIH1):c.1070G>A (p.Gly357Glu)

Gene: IFIH1 (interferon induced with helicase C domain 1; minus strand). Cytogenetic location: 2q24.2.
Variant type: single nucleotide variant.
Coding change: c.1070G>A on transcript NM_022168.4 (MANE Select); coding-DNA position 1070, G replaced by A.
Protein change: p.Gly357Glu; replaces glycine 357 with glutamic acid.
Molecular consequence: missense variant.
Genome position (GRCh38, 1-based): chr2:162,288,160, C>T on the plus strand (G>A on the coding strand, the complement: IFIH1 is on the minus strand). VCF-style: chr2-162288160-C-T. GRCh37 (hg19) VCF-style: chr2-163144670-C-T.
Other names: short protein forms G357E.
Identifiers: ClinVar variation 1802043 (VCV001802043.6), dbSNP rs2468971247, ClinGen allele CA349004569.
Genomic context (GRCh38, chr2:162,288,160, plus strand): 5'-AAATGATCAACTAGTGTTATGTGTTCTTTGAATACCTTATTGACAAGAACTATAACTTTT[C>T]CAGGCTCAGATGCTTTTTTCTTCTTGTCTAAGTGATCCTTGGCAATGTAAACAGCCACTC-3'
Protein context (NP_071451.2, residues 347-367): LDKKKKASEP[Gly357Glu]KVIVLVNKVL

ClinVar aggregate classification (germline): Uncertain significance. Review status: criteria provided, multiple submitters, no conflicts (2 of 4 stars). 2 submissions from 2 submitters: Uncertain significance (2). Last evaluated 2024-09-22.

Conditions:
Singleton-Merten syndrome 1 (SGMRT1). Also called: Widened medullary cavities of bone, aortic calcification, abnormal dentition, and muscular weakness; Syndrome of widened medullary cavities of the metacarpals and phalanges, aortic calcification and abnormal dentition. Identifiers: Orphanet 85191, MedGen C4225427, MONDO:0024535, OMIM 182250.
Aicardi-Goutieres syndrome 7 (AGS7). Identifiers: Orphanet 51, MedGen C3888244, MONDO:0014367, OMIM 615846.

Allele frequency attached by ClinVar (database versions not stated): gnomAD exomes below 0.00001.
gnomAD v4.1: 1 of 1,611,678 alleles (0.000062%); highest among the groups gnomAD compares: Non-Finnish European, 0.000085%; no homozygotes.

Submissions (2):

Labcorp Genetics (formerly Invitae), Labcorp
Classification: Uncertain significance for Aicardi-Goutieres syndrome 7; Singleton-Merten syndrome 1. Last evaluated: 2024-09-22. Review status: criteria provided, single submitter. Criteria: Invitae Variant Classification Sherloc (09022015). Collection method: clinical testing. Allele origin: germline.
Comment: This sequence change replaces glycine, which is neutral and non-polar, with glutamic acid, which is acidic and polar, at codon 357 of the IFIH1 protein (p.Gly357Glu). This variant is not present in population databases (gnomAD no frequency). This variant has not been reported in the literature in individuals affected with IFIH1-related conditions. ClinVar contains an entry for this variant (Variation ID: 1802043). Invitae Evidence Modeling of protein sequence and biophysical properties (such as structural, functional, and spatial information, amino acid conservation, physicochemical variation, residue mobility, and thermodynamic stability) has been performed for this missense variant. However, the output from this modeling did not meet the statistical confidence thresholds required to predict the impact of this variant on IFIH1 protein function. In summary, the available evidence is currently insufficient to determine the role of this variant in disease. Therefore, it has been classified as a Variant of Uncertain Significance.

GeneDx
Classification: Uncertain significance. Last evaluated: 2022-06-01. Review status: criteria provided, single submitter. Criteria: GeneDx Variant Classification Process June 2021. Collection method: clinical testing. Allele origin: germline. Affected: yes.
Comment: Not observed at significant frequency in large population cohorts (gnomAD); In silico analysis supports that this missense variant has a deleterious effect on protein structure/function; Has not been previously published as pathogenic or benign to our knowledge